The following is an entry in ClinVar:

ClinVar aggregate classification (germline): Pathogenic (1 of 4 stars; one submission).

Submission:

Labcorp Genetics (formerly Invitae), Labcorp
Classification: Pathogenic. Last evaluated: 2022-07-05. Review status: criteria provided, single submitter. Criteria: Invitae Variant Classification Sherloc (09022015). Collection method: clinical testing. Allele origin: germline.
Comment: This sequence change creates a premature translational stop signal (p.Leu829Thrfs*4) in the NEMF gene. It is expected to result in an absent or disrupted protein product. Loss-of-function variants in NEMF are known to be pathogenic (PMID: 27431290, 32934225). This variant is not present in population databases (gnomAD no frequency). This variant has not been reported in the literature in individuals affected with NEMF-related conditions. For these reasons, this variant has been classified as Pathogenic.

Literature cited by the submitters: PubMed 27431290; PubMed 32934225.

NM_004713.6(NEMF):c.2484dup (p.Leu829fs)

Gene: NEMF (nuclear export mediator factor; minus strand). Cytogenetic location: 14q21.3.
Variant type: Duplication.
Coding change: c.2484dup on transcript NM_004713.6 (MANE Select); coding-DNA position 2484, one base duplicated (A; older notation c.2484dupA).
Protein change: p.Leu829fs; shifts the reading frame from leucine 829.
Molecular consequence: frameshift variant.
Genome position (GRCh38, 1-based): chr14:49,795,926, T duplicated on the plus strand (A on the coding strand, the reverse complement: NEMF is on the minus strand); the first of 6 consecutive T bases (chr14:49,795,926-49,795,931); duplicating any one gives the same sequence. VCF-style (leftmost placement, unchanged base first): chr14-49795925-G-GT. GRCh37 (hg19) VCF-style: chr14-50262643-G-GT.
Other names: c.2421dup, p.Leu808fs (NM_001301732.3); short protein forms L808fs, L829fs.
Identifiers: ClinVar variation 2075049 (VCV002075049.1), dbSNP rs2503129066, ClinGen allele CA2580088150.